The following is an entry in ClinVar:

NM_133379.5(TTN):c.10645C>T (p.Arg3549Cys)

Gene: TTN (titin; minus strand). Cytogenetic location: 2q31.2.
Variant type: single nucleotide variant.
Coding change: c.10645C>T on transcript NM_133379.5; coding-DNA position 10645, C replaced by T.
Protein change: p.Arg3549Cys; replaces arginine 3549 with cysteine.
Molecular consequence: missense variant. On other transcripts: intron variant (6).
Genome position (GRCh38, 1-based): chr2:178,751,755, G>A on the plus strand (C>T on the coding strand, the complement: TTN is on the minus strand). VCF-style: chr2-178751755-G-A. GRCh37 (hg19) VCF-style: chr2-179616482-G-A.
Other names: p.R3549C:CGT>TGT; c.10222+1369C>T (NM_003319.4); c.10798+1369C>T (NM_133437.4); c.10597+1369C>T (NM_133432.3); c.10360+1369C>T (NM_133378.4, NM_001256850.1); c.11311+1369C>T (NM_001267550.2); short protein forms R3549C.
Identifiers: ClinVar variation 166284 (VCV000166284.12), dbSNP rs201047740, ClinGen allele CA179162.

ClinVar aggregate classification (germline): Conflicting classifications of pathogenicity. Review status: criteria provided, conflicting classifications (1 of 4 stars). 5 submissions from 5 submitters: Uncertain significance (4); Likely benign (1). Last evaluated 2024-11-05.

Conditions:
Tibial muscular dystrophy (TMD). Also called: Tibial muscular dystrophy, tardive; UDD MYOPATHY; Udd Distal Myopathy – Tibial Muscular Dystrophy. Identifiers: Orphanet 609, MedGen C1838244, MONDO:0010870, OMIM 600334.
Autosomal recessive limb-girdle muscular dystrophy type 2J (LGMDR10). Also called: Limb-girdle muscular dystrophy, type 2J; MUSCULAR DYSTROPHY, LIMB-GIRDLE, AUTOSOMAL RECESSIVE 10. Identifiers: Orphanet 140922, MedGen C1837342, MONDO:0012127, OMIM 608807.
Hypertrophic cardiomyopathy 9. Also called: Familial hypertrophic cardiomyopathy 9. Identifiers: MedGen C1861065, MONDO:0013412, OMIM 613765.
Dilated cardiomyopathy 1G (CMD1G). Identifiers: Orphanet 154, MedGen C1858763, MONDO:0011400, OMIM 604145.
Myopathy, myofibrillar, 9, with early respiratory failure (MFM9). Also called: Hereditary myopathy with early respiratory failure; EDSTROM MYOPATHY; MYOPATHY, PROXIMAL, WITH EARLY RESPIRATORY MUSCLE INVOLVEMENT; Myopathy, distal, with early respiratory failure, autosomal dominant. Identifiers: Orphanet 178464, Orphanet 34521, MedGen C1863599, MONDO:0011362, OMIM 603689.
Early-onset myopathy with fatal cardiomyopathy (CMYO5). Also called: CONGENITAL MYOPATHY 5 WITH CARDIOMYOPATHY; Salih Myopathy. Identifiers: Orphanet 289377, MedGen C2673677, MONDO:0012714, OMIM 611705. Disease mechanism: loss of function.

Allele frequency attached by ClinVar (database versions not stated): gnomAD 0.00004; TOPMed 0.00005; gnomAD exomes 0.00012 and 0.00015; ExAC 0.00025.
gnomAD v4.1: 190 of 1,612,964 alleles (0.012%); highest among the groups gnomAD compares: Middle Eastern, 0.033%; no homozygotes.

Submissions (5):

Blueprint Genetics
Classification: Likely benign. Last evaluated: 2024-11-05. Review status: criteria provided, single submitter. Criteria: ACMG Guidelines, 2015. Collection method: clinical testing. Allele origin: germline.

Fulgent Genetics
Classification: Uncertain significance for Tibial muscular dystrophy; Myopathy, myofibrillar, 9, with early respiratory failure; Dilated cardiomyopathy 1G; Autosomal recessive limb-girdle muscular dystrophy type 2J; Early-onset myopathy with fatal cardiomyopathy; Hypertrophic cardiomyopathy 9. Last evaluated: 2021-09-02. Review status: criteria provided, single submitter. Criteria: ACMG Guidelines, 2015. Collection method: clinical testing. Allele origin: unknown.

Eurofins Ntd Llc (ga)
Classification: Uncertain significance. Last evaluated: 2017-12-29. Review status: criteria provided, single submitter. Criteria: EGL Classification Definitions 2015. Collection method: clinical testing. Allele origin: germline. Observed: 1 variant allele, 1 heterozygote.

GeneDx
Classification: Uncertain significance. Last evaluated: 2015-03-31. Review status: criteria provided, single submitter. Criteria: GeneDx Variant Classification (06012015). Collection method: clinical testing. Allele origin: germline. Affected: yes.
Comment: Missense variants in the TTN gene are considered 'unclassified' if they are not previously reported in the literature and do not have >1% frequency in the population to be considered a polymorphism. Research indicates that truncating mutations in the TTN gene are expected to account for approximately 25% of familial and 18% of sporadic idiopathic DCM; however, truncating variants in the TTN gene have been reported in approximately 3% of reported control alleles. There has been little investigation into non-truncating variants. (Herman D et al. Truncations of titin causing dilated cardiomyopathy. N Eng J Med 366:619-628, 2012) The variant is found in DCM-CRDM panel(s).

Laboratory for Molecular Medicine, Mass General Brigham Personalized Medicine
Classification: Uncertain significance. Last evaluated: 2013-04-20. Review status: criteria provided, single submitter. Criteria: LMM Criteria. Collection method: clinical testing. Allele origin: germline. Observed: 1 variant allele.
Comment: The Arg3549Cys variant in TTN has not been reported in individuals with cardiomy opathy or in large population studies. Computational analyses are limited or una vailable for this variant. Additional information is needed to fully assess the clinical significance of the Arg3549Cys variant.